The following is an entry in ClinVar:

NM_001040455.2(SIDT2):c.1149C>T (p.Tyr383=)

Gene: SIDT2 (SID1 transmembrane family member 2; plus strand). Cytogenetic location: 11q23.3.
Variant type: single nucleotide variant.
Coding change: c.1149C>T on transcript NM_001040455.2 (MANE Select); coding-DNA position 1149, C replaced by T.
Protein change: p.Tyr383=; no amino-acid change (tyrosine 383 retained).
Molecular consequence: synonymous variant.
Genome position (GRCh38, 1-based): chr11:117,187,689, C>T. VCF-style: chr11-117187689-C-T. GRCh37 (hg19) VCF-style: chr11-117058405-C-T.
Identifiers: ClinVar variation 2642404 (VCV002642404.24), dbSNP rs148750007, ClinGen allele CA6291781.

ClinVar aggregate classification (germline): Likely benign (1 of 4 stars; one submission).

Allele frequency attached by ClinVar (database versions not stated): 1000 Genomes Project 30x 0.00047; 1000 Genomes Project 0.00060; ESP Exome Variant Server 0.00062; TOPMed 0.00079; gnomAD exomes 0.00106; gnomAD 0.00145; ExAC 0.00153.
gnomAD v4.1: 1,816 of 1,613,778 alleles (0.11%); highest among the groups gnomAD compares: African/African-American, 0.095%; 1 homozygote.

Submission:

CeGaT Center for Human Genetics Tuebingen
Classification: Likely benign. Last evaluated: 2023-01-01. Review status: criteria provided, single submitter. Criteria: CeGaT Center For Human Genetics Tuebingen Variant Classification Criteria Version 2. Collection method: clinical testing. Allele origin: germline. Affected: yes. Observed: 1 variant allele.
Comment: SIDT2: BP4, BP7